The following is an entry in ClinVar:

NM_000104.4(CYP1B1):c.850C>T (p.Arg284Trp)

Gene: CYP1B1 (cytochrome P450 family 1 subfamily B member 1; minus strand). Cytogenetic location: 2p22.2.
Variant type: single nucleotide variant.
Coding change: c.850C>T on transcript NM_000104.4 (MANE Select); coding-DNA position 850, C replaced by T.
Protein change: p.Arg284Trp; replaces arginine 284 with tryptophan.
Molecular consequence: missense variant.
Genome position (GRCh38, 1-based): chr2:38,074,539, G>A on the plus strand (C>T on the coding strand, the complement: CYP1B1 is on the minus strand). VCF-style: chr2-38074539-G-A. GRCh37 (hg19) VCF-style: chr2-38301682-G-A.
Other names: short protein forms R284W.
Identifiers: ClinVar variation 895299 (VCV000895299.8), dbSNP rs368249322, ClinGen allele CA1619950.

ClinVar aggregate classification (germline): Uncertain significance. Review status: criteria provided, multiple submitters, no conflicts (2 of 4 stars). 3 submissions from 2 submitters: Uncertain significance (3). Last evaluated 2021-08-28.

Conditions:
Irido-corneo-trabecular dysgenesis (ASGD5). Also called: ANTERIOR SEGMENT DYSGENESIS 5. Identifiers: Orphanet 708, MedGen C0344559, MONDO:0011414, OMIM 604229, HP:0000659.
Congenital glaucoma. Identifiers: MedGen C0020302, MONDO:0020366.
Glaucoma 3A. Also called: Glaucoma 3, primary congenital, A. Identifiers: Orphanet 98976, Orphanet 98977, MedGen C1856439, MONDO:0009277, OMIM 231300.

Allele frequency attached by ClinVar (database versions not stated): ExAC 0.00009; ESP Exome Variant Server 0.00015; gnomAD 0.00015; TOPMed 0.00015; gnomAD exomes 0.00016 and 0.00026.
gnomAD v4.1: 396 of 1,608,072 alleles (0.025%); highest among the groups gnomAD compares: Non-Finnish European, 0.032%; no homozygotes.

Submissions (3):

Labcorp Genetics (formerly Invitae), Labcorp
Classification: Uncertain significance for Congenital glaucoma. Last evaluated: 2021-08-28. Review status: criteria provided, single submitter. Criteria: Invitae Variant Classification Sherloc (09022015). Collection method: clinical testing. Allele origin: germline.
Comment: This sequence change replaces arginine with tryptophan at codon 284 of the CYP1B1 protein (p.Arg284Trp). The arginine residue is weakly conserved and there is a moderate physicochemical difference between arginine and tryptophan. This variant is present in population databases (rs368249322, ExAC 0.02%). This variant has not been reported in the literature in individuals affected with CYP1B1-related conditions. ClinVar contains an entry for this variant (Variation ID: 895299). Advanced modeling of protein sequence and biophysical properties (such as structural, functional, and spatial information, amino acid conservation, physicochemical variation, residue mobility, and thermodynamic stability) performed at Invitae indicates that this missense variant is not expected to disrupt CYP1B1 protein function. In summary, the available evidence is currently insufficient to determine the role of this variant in disease. Therefore, it has been classified as a Variant of Uncertain Significance.

Illumina Laboratory Services, Illumina
Classification: Uncertain significance for Glaucoma 3A. Last evaluated: 2017-04-27. Review status: criteria provided, single submitter. Criteria: ICSL Variant Classification Criteria 13 December 2019. Collection method: clinical testing. Allele origin: germline.

Illumina Laboratory Services, Illumina
Classification: Uncertain significance for Irido-corneo-trabecular dysgenesis. Last evaluated: 2017-04-27. Review status: criteria provided, single submitter. Criteria: ICSL Variant Classification Criteria 13 December 2019. Collection method: clinical testing. Allele origin: germline.